The following is an entry in ClinVar:

NM_170707.4(LMNA):c.230T>C (p.Ile77Thr)

Gene: LMNA (lamin A/C; plus strand). Cytogenetic location: 1q22.
Variant type: single nucleotide variant.
Coding change: c.230T>C on transcript NM_170707.4 (MANE Select); coding-DNA position 230, T replaced by C.
Protein change: p.Ile77Thr; replaces isoleucine 77 with threonine.
Molecular consequence: missense variant.
Genome position (GRCh38, 1-based): chr1:156,115,148, T>C. VCF-style: chr1-156115148-T-C. GRCh37 (hg19) VCF-style: chr1-156084939-T-C.
Other names: c.230T>C, p.Ile77Thr (NM_001282625.2, NM_001282626.2, NM_005572.4 and 1 more transcripts); short protein forms I77T.
Identifiers: ClinVar variation 228803 (VCV000228803.13), dbSNP rs876657850, ClinGen allele CA10576361.
Genomic context (GRCh38, chr1:156,115,148, plus strand): 5'-CAGGGCTGCGCCTTCGCATCACCGAGTCTGAAGAGGTGGTCAGCCGCGAGGTGTCCGGCA[T>C]CAAGGCCGCCTACGAGGCCGAGCTCGGGGATGCCCGCAAGACCCTTGACTCAGTAGCCAA-3'
Protein context (NP_733821.1, residues 67-87): EEVVSREVSG[Ile77Thr]KAAYEAELGD

ClinVar aggregate classification (germline): Uncertain significance. Review status: criteria provided, multiple submitters, no conflicts (2 of 4 stars). 2 submissions from 2 submitters: Uncertain significance (2). Last evaluated 2020-01-23.

Conditions:
Charcot-Marie-Tooth disease type 2. Also called: Charcot-Marie-Tooth type 2. Identifiers: Orphanet 64746, MedGen C0270914, MONDO:0018993.

Submissions (2):

Labcorp Genetics (formerly Invitae), Labcorp
Classification: Uncertain significance for Charcot-Marie-Tooth disease type 2. Last evaluated: 2020-01-23. Review status: criteria provided, single submitter. Criteria: Invitae Variant Classification Sherloc (09022015). Collection method: clinical testing. Allele origin: germline.
Comment: This variant is not present in population databases (ExAC no frequency). This sequence change replaces isoleucine with threonine at codon 77 of the LMNA protein (p.Ile77Thr). The isoleucine residue is highly conserved and there is a moderate physicochemical difference between isoleucine and threonine. This variant has not been reported in the literature in individuals with LMNA-related conditions. ClinVar contains an entry for this variant (Variation ID: 228803). Algorithms developed to predict the effect of missense changes on protein structure and function (SIFT, PolyPhen-2, Align-GVGD) all suggest that this variant is likely to be disruptive, but these predictions have not been confirmed by published functional studies and their clinical significance is uncertain. In summary, the available evidence is currently insufficient to determine the role of this variant in disease. Therefore, it has been classified as a Variant of Uncertain Significance.

Laboratory for Molecular Medicine, Mass General Brigham Personalized Medicine
Classification: Uncertain significance. Last evaluated: 2014-12-31. Review status: criteria provided, single submitter. Criteria: LMM Criteria. Collection method: clinical testing. Allele origin: germline. Observed: 1 variant allele.
Comment: The p.Ile77Thr variant in LMNA has not been previously reported in individuals w ith cardiomyopathy and large population studies. Computational prediction tools and conservation analysis do not provide strong support for or against an impact to the protein. In summary, the clinical significance of p.Ile77Thr variant is uncertain.